The following is an entry in ClinVar:

NM_000465.4(BARD1):c.251C>A (p.Pro84Gln)

Gene: BARD1 (BRCA1 associated RING domain 1; minus strand). Cytogenetic location: 2q35.
Variant type: single nucleotide variant.
Coding change: c.251C>A on transcript NM_000465.4 (MANE Select); coding-DNA position 251, C replaced by A.
Protein change: p.Pro84Gln; replaces proline 84 with glutamine.
Molecular consequence: missense variant. On other transcripts: non-coding transcript variant (1), intron variant (2).
Genome position (GRCh38, 1-based): chr2:214,792,410, G>T on the plus strand (C>A on the coding strand, the complement: BARD1 is on the minus strand). VCF-style: chr2-214792410-G-T. GRCh37 (hg19) VCF-style: chr2-215657134-G-T.
Other names: c.194C>A, p.Pro65Gln (NM_001282543.2); c.251C>A, p.Pro84Gln (NM_001282549.2); c.158+17002C>A (NM_001282548.2); c.215+4651C>A (NM_001282545.2); short protein forms P65Q, P84Q.
Identifiers: ClinVar variation 4867383 (VCV004867383.1).

ClinVar aggregate classification (germline): Uncertain significance (1 of 4 stars; one submission).

Conditions:
Hereditary cancer-predisposing syndrome. Also called: Neoplastic Syndromes, Hereditary; Tumor predisposition; Hereditary Cancer Syndrome; Hereditary neoplastic syndrome. Identifiers: Orphanet 140162, MedGen C0027672, MeSH D009386, MONDO:0015356.

Submission:

Ambry Genetics
Classification: Uncertain significance for Hereditary cancer-predisposing syndrome. Last evaluated: 2026-03-21. Review status: criteria provided, single submitter. Criteria: Ambry Variant Classification Scheme 2023. Collection method: clinical testing. Allele origin: germline.
Comment: The p.P84Q variant (also known as c.251C>A), located in coding exon 3 of the BARD1 gene, results from a C to A substitution at nucleotide position 251. The proline at codon 84 is replaced by glutamine, an amino acid with similar properties. This amino acid position is conserved. In addition, the in silico prediction for this alteration is inconclusive. Based on the available evidence, the clinical significance of this variant remains unclear.